The following is an entry in ClinVar:

ClinVar aggregate classification (germline): Uncertain significance. Review status: criteria provided, multiple submitters, no conflicts (2 of 4 stars). 2 submissions from 2 submitters: Uncertain significance (2). Last evaluated 2025-10-22.

Conditions:
Inborn genetic diseases. Identifiers: MedGen C0950123, MeSH D030342.

Allele frequency attached by ClinVar (database versions not stated): gnomAD 0.00001; gnomAD exomes 0.00007; ExAC 0.00021.

Submissions (2):

Ambry Genetics
Classification: Uncertain significance for Inborn genetic diseases. Last evaluated: 2025-10-22. Review status: criteria provided, single submitter. Criteria: Ambry Variant Classification Scheme 2023. Collection method: clinical testing. Allele origin: germline.

GeneDx
Classification: Uncertain significance. Last evaluated: 2019-02-01. Review status: criteria provided, single submitter. Criteria: GeneDx Variant Classification Process June 2021. Collection method: clinical testing. Allele origin: germline. Affected: yes.
Comment: In silico analysis, which includes protein predictors and evolutionary conservation, supports a deleterious effect; Has not been previously published as pathogenic or benign to our knowledge

NM_001145809.2(MYH14):c.278G>T (p.Arg93Leu)

Gene: MYH14 (myosin heavy chain 14; plus strand). Cytogenetic location: 19q13.33.
Variant type: single nucleotide variant.
Coding change: c.278G>T on transcript NM_001145809.2 (MANE Select); coding-DNA position 278, G replaced by T.
Protein change: p.Arg93Leu; replaces arginine 93 with leucine.
Molecular consequence: missense variant.
Genome position (GRCh38, 1-based): chr19:50,210,643, G>T. VCF-style: chr19-50210643-G-T. GRCh37 (hg19) VCF-style: chr19-50713900-G-T.
Other names: c.278G>T, p.Arg93Leu (NM_001077186.2, NM_024729.4); short protein forms R93L.
Identifiers: ClinVar variation 1303000 (VCV001303000.5), dbSNP rs767001869, ClinGen allele CA9592220.